The following is an entry in ClinVar:

NM_002691.4(POLD1):c.2293G>A (p.Val765Met)

Gene: POLD1 (DNA polymerase delta 1, catalytic subunit; plus strand). Cytogenetic location: 19q13.33.
Variant type: single nucleotide variant.
Coding change: c.2293G>A on transcript NM_002691.4 (MANE Select); coding-DNA position 2293, G replaced by A.
Protein change: p.Val765Met; replaces valine 765 with methionine.
Molecular consequence: missense variant. On other transcripts: non-coding transcript variant (1).
Genome position (GRCh38, 1-based): chr19:50,413,784, G>A. VCF-style: chr19-50413784-G-A. GRCh37 (hg19) VCF-style: chr19-50917041-G-A.
Other names: c.2293G>A, p.Val765Met (NM_001256849.1); c.2371G>A, p.Val791Met (NM_001308632.1); c.2293G>A (NM_002691.2); short protein forms V765M, V791M.
Identifiers: ClinVar variation 239282 (VCV000239282.24), dbSNP rs759190487, ClinGen allele CA9596477.

ClinVar aggregate classification (germline): Uncertain significance. Review status: criteria provided, multiple submitters, no conflicts (2 of 4 stars). 4 submissions from 4 submitters: Uncertain significance (4). Last evaluated 2026-01-31.

Conditions:
Hereditary cancer-predisposing syndrome. Also called: Hereditary Cancer Syndrome; Neoplastic Syndromes, Hereditary; Hereditary neoplastic syndrome; Tumor predisposition. Identifiers: Orphanet 140162, MedGen C0027672, MeSH D009386, MONDO:0015356.
POLD1-related polyposis and colorectal cancer syndrome (CRCS10). Also called: COLORECTAL CANCER, SUSCEPTIBILITY TO, ON CHROMOSOME 19q; Colorectal cancer 10; Colorectal cancer, susceptibility to, 10. Identifiers: Orphanet 220460, MedGen C2675481, MONDO:0012953, OMIM 612591.

Allele frequency attached by ClinVar (database versions not stated): gnomAD 0.00003; ExAC 0.00004; gnomAD exomes 0.00004; TOPMed 0.00004.
gnomAD v4.1: 58 of 1,611,740 alleles (0.0036%); highest among the groups gnomAD compares: Middle Eastern, 0.016%; no homozygotes.

Submissions (4):

Labcorp Genetics (formerly Invitae), Labcorp
Classification: Uncertain significance for POLD1-related polyposis and colorectal cancer syndrome. Last evaluated: 2026-01-31. Review status: criteria provided, single submitter. Criteria: Invitae Variant Classification Sherloc (09022015). Collection method: clinical testing. Allele origin: germline.
Comment: This sequence change replaces valine, which is neutral and non-polar, with methionine, which is neutral and non-polar, at codon 765 of the POLD1 protein (p.Val765Met). This variant is present in population databases (rs759190487, gnomAD 0.009%). This variant has not been reported in the literature in individuals affected with POLD1-related conditions. ClinVar contains an entry for this variant (Variation ID: 239282). Invitae Evidence Modeling of protein sequence and biophysical properties (such as structural, functional, and spatial information, amino acid conservation, physicochemical variation, residue mobility, and thermodynamic stability) indicates that this missense variant is not expected to disrupt POLD1 protein function with a negative predictive value of 80%. In summary, the available evidence is currently insufficient to determine the role of this variant in disease. Therefore, it has been classified as a Variant of Uncertain Significance.

Center for Genomic Medicine, Rigshospitalet, Copenhagen University Hospital
Classification: Uncertain significance. Last evaluated: 2025-03-04. Review status: criteria provided, single submitter. Criteria: ACMG Guidelines, 2015. Collection method: clinical testing. Allele origin: germline.

Ambry Genetics
Classification: Uncertain significance for Hereditary cancer-predisposing syndrome. Last evaluated: 2024-12-12. Review status: criteria provided, single submitter. Criteria: Ambry Variant Classification Scheme 2023. Collection method: clinical testing. Allele origin: germline.
Comment: The p.V765M variant (also known as c.2293G>A), located in coding exon 18 of the POLD1 gene, results from a G to A substitution at nucleotide position 2293. The valine at codon 765 is replaced by methionine, an amino acid with highly similar properties. This alteration was identified in 1/136 Turkish colorectal cancer patients undergoing multigene panel testing for hereditary cancer risk (Erdem HB et al. Turk J Med Sci, 2020 Jun;50:1015-1021). This amino acid position is highly conserved in available vertebrate species. In addition, this alteration is predicted to be tolerated by in silico analysis. Based on the available evidence, the clinical significance of this variant remains unclear.

GeneDx
Classification: Uncertain significance. Last evaluated: 2023-09-19. Review status: criteria provided, single submitter. Criteria: GeneDx Variant Classification Process June 2021. Collection method: clinical testing. Allele origin: germline. Affected: yes.
Comment: In silico analysis supports that this missense variant has a deleterious effect on protein structure/function; Observed in a patient with colorectal cancer (PMID: 32283892); This variant is associated with the following publications: (PMID: 29056344, 25583476, 29991641, 20951805, 32283892)

Literature cited by the submitters: PubMed 32283892 (cited by Center for Genomic Medicine, Rigshospitalet, Copenhagen University Hospital and Ambry Genetics).